The following is an entry in ClinVar:

NM_032043.3(BRIP1):c.1024A>C (p.Ser342Arg)

Gene: BRIP1 (BRCA1 interacting DNA helicase 1; minus strand). Cytogenetic location: 17q23.2.
Variant type: single nucleotide variant.
Coding change: c.1024A>C on transcript NM_032043.3 (MANE Select); coding-DNA position 1024, A replaced by C.
Protein change: p.Ser342Arg; replaces serine 342 with arginine.
Molecular consequence: missense variant.
Genome position (GRCh38, 1-based): chr17:61,801,369, T>G on the plus strand (A>C on the coding strand, the complement: BRIP1 is on the minus strand). VCF-style: chr17-61801369-T-G. GRCh37 (hg19) VCF-style: chr17-59878730-T-G.
Other names: short protein forms S342R.
Identifiers: ClinVar variation 663030 (VCV000663030.14), dbSNP rs1603343284, ClinGen allele CA400484092.

ClinVar aggregate classification (germline): Uncertain significance. Review status: criteria provided, multiple submitters, no conflicts (2 of 4 stars). 2 submissions from 2 submitters: Uncertain significance (2). Last evaluated 2025-04-27.

Conditions:
Hereditary cancer-predisposing syndrome. Also called: Neoplastic Syndromes, Hereditary; Hereditary neoplastic syndrome; Tumor predisposition; Hereditary Cancer Syndrome. Identifiers: Orphanet 140162, MedGen C0027672, MeSH D009386, MONDO:0015356.
Familial cancer of breast. Also called: Hereditary breast cancer; BREAST CANCER, FAMILIAL; hereditary breast carcinoma. Identifiers: Orphanet 227535, MedGen C0346153, MONDO:0016419, OMIM 114480. Disease mechanism: loss of function.
Fanconi anemia complementation group J. Also called: BRIP1-Related Fanconi Anemia. Identifiers: Orphanet 84, MedGen C1836860, MONDO:0012187, OMIM 609054.

Submissions (2):

Labcorp Genetics (formerly Invitae), Labcorp
Classification: Uncertain significance for Familial cancer of breast; Fanconi anemia complementation group J. Last evaluated: 2025-04-27. Review status: criteria provided, single submitter. Criteria: Invitae Variant Classification Sherloc (09022015). Collection method: clinical testing. Allele origin: germline.
Comment: This sequence change replaces serine, which is neutral and polar, with arginine, which is basic and polar, at codon 342 of the BRIP1 protein (p.Ser342Arg). This variant is not present in population databases (gnomAD no frequency). This variant has not been reported in the literature in individuals affected with BRIP1-related conditions. ClinVar contains an entry for this variant (Variation ID: 663030). Invitae Evidence Modeling of protein sequence and biophysical properties (such as structural, functional, and spatial information, amino acid conservation, physicochemical variation, residue mobility, and thermodynamic stability) indicates that this missense variant is not expected to disrupt BRIP1 protein function with a negative predictive value of 95%. In summary, the available evidence is currently insufficient to determine the role of this variant in disease. Therefore, it has been classified as a Variant of Uncertain Significance.

Ambry Genetics
Classification: Uncertain significance for Hereditary cancer-predisposing syndrome. Last evaluated: 2019-12-16. Review status: criteria provided, single submitter. Criteria: Ambry Variant Classification Scheme 2023. Collection method: clinical testing. Allele origin: germline.
Comment: The p.S342R variant (also known as c.1024A>C), located in coding exon 7 of the BRIP1 gene, results from an A to C substitution at nucleotide position 1024. The serine at codon 342 is replaced by arginine, an amino acid with dissimilar properties. This amino acid position is not well conserved in available vertebrate species. In addition, this alteration is predicted to be tolerated by in silico analysis. Since supporting evidence is limited at this time, the clinical significance of this alteration remains unclear.